The following is an entry in ClinVar:

NM_004380.3(CREBBP):c.952T>A (p.Ser318Thr)

Gene: CREBBP (CREB binding lysine acetyltransferase; minus strand). Cytogenetic location: 16p13.3.
Variant type: single nucleotide variant.
Coding change: c.952T>A on transcript NM_004380.3 (MANE Select); coding-DNA position 952, T replaced by A.
Protein change: p.Ser318Thr; replaces serine 318 with threonine.
Molecular consequence: missense variant.
Genome position (GRCh38, 1-based): chr16:3,810,626, A>T on the plus strand (T>A on the coding strand, the complement: CREBBP is on the minus strand). VCF-style: chr16-3810626-A-T. GRCh37 (hg19) VCF-style: chr16-3860627-A-T.
Other names: c.952T>A, p.Ser318Thr (NM_001079846.1); short protein forms S318T.
Identifiers: ClinVar variation 4978821 (VCV004978821.1).
Genomic context (GRCh38, chr16:3,810,626, plus strand): 5'-CGGAGAGCCATAACACTGAGGGCCAAGGGTAACTTACCATATTTGGCACGTTGGTGACTG[A>T]AGTATTCTTGATATCTGTAGGGAAGGTGGGCAAACTGTTGACCATGCTCTGTTTGCTGGC-3'
Protein context (NP_004371.2, residues 308-328): PTFPTDIKNT[Ser318Thr]VTNVPNMSQM

ClinVar aggregate classification (germline): Uncertain significance (1 of 4 stars; one submission).

Conditions:
CREBBP-related disorder. Also called: CREBBP-related disorders; CREBBP-related condition.

gnomAD v4.1: 1 of 1,613,596 alleles (0.000062%); highest among the groups gnomAD compares: African/African-American, 0.0013%; no homozygotes.

Submission:

PreventionGenetics, part of Exact Sciences
Classification: Uncertain significance for CREBBP-related condition. Last evaluated: 2026-04-10. Review status: criteria provided, single submitter. Criteria: ACMG Guidelines, 2015. Collection method: clinical testing. Allele origin: germline.
Comment: The CREBBP c.952T>A variant is predicted to result in the amino acid substitution p.Ser318Thr. To our knowledge, this variant has not been reported in the literature or in a large population database (gnomAD), indicating this variant is rare. At this time, the clinical significance of this variant is uncertain due to the absence of conclusive functional and genetic evidence.